The following is an entry in ClinVar:

NM_006231.4(POLE):c.4427T>G (p.Phe1476Cys)

Gene: POLE (DNA polymerase epsilon, catalytic subunit; minus strand). Cytogenetic location: 12q24.33.
Variant type: single nucleotide variant.
Coding change: c.4427T>G on transcript NM_006231.4 (MANE Select); coding-DNA position 4427, T replaced by G.
Protein change: p.Phe1476Cys; replaces phenylalanine 1476 with cysteine.
Molecular consequence: missense variant.
Genome position (GRCh38, 1-based): chr12:132,643,424, A>C on the plus strand (T>G on the coding strand, the complement: POLE is on the minus strand). VCF-style: chr12-132643424-A-C. GRCh37 (hg19) VCF-style: chr12-133220010-A-C.
Other names: short protein forms F1476C.
Identifiers: ClinVar variation 473663 (VCV000473663.17), dbSNP rs985504177, ClinGen allele CA246304716.

ClinVar aggregate classification (germline): Conflicting classifications of pathogenicity. Review status: criteria provided, conflicting classifications (1 of 4 stars). 5 submissions from 5 submitters: Uncertain significance (3); Likely benign (1). 1 of the submissions does not count toward it. Last evaluated 2025-12-17.

Conditions:
Hereditary cancer. Identifiers: MedGen C1333600.
POLE-related disorder. Also called: POLE-related disorders; POLE-related condition.
Hereditary cancer-predisposing syndrome. Also called: Neoplastic Syndromes, Hereditary; Tumor predisposition; Hereditary neoplastic syndrome; Hereditary Cancer Syndrome. Identifiers: Orphanet 140162, MedGen C0027672, MeSH D009386, MONDO:0015356.

Allele frequency attached by ClinVar (database versions not stated): gnomAD exomes 0.00001; TOPMed 0.00003; gnomAD 0.00001.

Submissions (5):

Labcorp Genetics (formerly Invitae), Labcorp
Classification: Uncertain significance. Last evaluated: 2025-12-17. Review status: criteria provided, single submitter. Criteria: Invitae Variant Classification Sherloc (09022015). Collection method: clinical testing. Allele origin: germline.
Comment: This sequence change replaces phenylalanine, which is neutral and non-polar, with cysteine, which is neutral and slightly polar, at codon 1476 of the POLE protein (p.Phe1476Cys). This variant is present in population databases (no rsID available, gnomAD 0.009%). This missense change has been observed in individual(s) with colorectal cancer (PMID: 35534704). ClinVar contains an entry for this variant (Variation ID: 473663). Invitae Evidence Modeling of protein sequence and biophysical properties (such as structural, functional, and spatial information, amino acid conservation, physicochemical variation, residue mobility, and thermodynamic stability) indicates that this missense variant is not expected to disrupt POLE protein function with a negative predictive value of 80%. In summary, the available evidence is currently insufficient to determine the role of this variant in disease. Therefore, it has been classified as a Variant of Uncertain Significance.

Ambry Genetics
Classification: Uncertain significance for Hereditary cancer-predisposing syndrome. Last evaluated: 2025-03-28. Review status: criteria provided, single submitter. Criteria: Ambry Variant Classification Scheme 2023. Collection method: clinical testing. Allele origin: germline.
Comment: The p.F1476C variant (also known as c.4427T>G), located in coding exon 34 of the POLE gene, results from a T to G substitution at nucleotide position 4427. The phenylalanine at codon 1476 is replaced by cysteine, an amino acid with highly dissimilar properties. This amino acid position is conserved. In addition, this alteration is predicted to be tolerated by in silico analysis. Based on the available evidence, the clinical significance of this variant remains unclear.

GeneDx
Classification: Uncertain significance. Last evaluated: 2024-08-11. Review status: criteria provided, single submitter. Criteria: GeneDx Variant Classification Process June 2021. Collection method: clinical testing. Allele origin: germline.
Comment: Not observed at significant frequency in large population cohorts (gnomAD); In silico analysis indicates that this missense variant does not alter protein structure/function; Observed in individuals with a personal or family history of cancer (PMID: 35534704); This variant is associated with the following publications: (PMID: 35534704)

Mendelics
Classification: Likely benign for Hereditary cancer. Last evaluated: 2024-01-23. Review status: criteria provided, single submitter. Criteria: ACMG Guidelines, 2015. Collection method: clinical testing. Allele origin: unknown.

PreventionGenetics, part of Exact Sciences
Classification: Uncertain significance for POLE-related condition. Last evaluated: 2024-08-14. Review status: no assertion criteria provided. Collection method: clinical testing. Allele origin: germline. Not counted in ClinVar's aggregate classification.
Comment: The POLE c.4427T>G variant is predicted to result in the amino acid substitution p.Phe1476Cys. This variant was reported in an individual with a personal history of colorectal cancer and family history of stomach cancer who also carried a likely causative variant in MSH6 (Table S3, de Oliveira et al. 2022. PubMed ID: 35534704). This variant is reported in 0.0087% of alleles in individuals of Latino descent in gnomAD. This variant has conflicting interpretations of pathogenicity in ClinVar ranging from likely benign to uncertain significance. At this time, the clinical significance of this variant is uncertain due to the absence of conclusive functional and genetic evidence.

Literature cited by the submitters: PubMed 35534704 (cited by Labcorp Genetics (formerly Invitae), Labcorp).